The following is an entry in ClinVar:

NM_002439.5(MSH3):c.3100G>C (p.Val1034Leu)

Gene: MSH3 (mutS homolog 3; plus strand). Cytogenetic location: 5q14.1.
Variant type: single nucleotide variant.
Coding change: c.3100G>C on transcript NM_002439.5 (MANE Select); coding-DNA position 3100, G replaced by C.
Protein change: p.Val1034Leu; replaces valine 1034 with leucine.
Molecular consequence: missense variant.
Genome position (GRCh38, 1-based): chr5:80,864,912, G>C. VCF-style: chr5-80864912-G-C. GRCh37 (hg19) VCF-style: chr5-80160731-G-C.
Other names: short protein forms V1034L.
Identifiers: ClinVar variation 3398723 (VCV003398723.1).
Genomic context (GRCh38, chr5:80,864,912, plus strand): 5'-GTTTGTGAACTAGAAAAAAATTACTCACACCAGGTGGGGAATTACCACATGGGATTCTTG[G>C]TCAGTGAGGATGAAAGCAAACTGGATCCAGGTATGAAATATTCCTGCAGTTGGTACAAAT-3'
Protein context (NP_002430.3, residues 1024-1044): QVGNYHMGFL[Val1034Leu]SEDESKLDPG

ClinVar aggregate classification (germline): Uncertain significance (1 of 4 stars; one submission).

Conditions:
Hereditary cancer-predisposing syndrome. Also called: Hereditary Cancer Syndrome; Tumor predisposition; Hereditary neoplastic syndrome; Neoplastic Syndromes, Hereditary. Identifiers: Orphanet 140162, MedGen C0027672, MeSH D009386, MONDO:0015356.

Submission:

Ambry Genetics
Classification: Uncertain significance for Hereditary cancer-predisposing syndrome. Last evaluated: 2024-09-15. Review status: criteria provided, single submitter. Criteria: Ambry Variant Classification Scheme 2023. Collection method: clinical testing. Allele origin: germline.
Comment: The p.V1034L variant (also known as c.3100G>C), located in coding exon 22 of the MSH3 gene, results from a G to C substitution at nucleotide position 3100. The valine at codon 1034 is replaced by leucine, an amino acid with highly similar properties. This amino acid position is conserved. In addition, this alteration is predicted to be tolerated by in silico analysis. Based on the available evidence, the clinical significance of this variant remains unclear.